The following is an entry in ClinVar:

NM_020365.5(EIF2B3):c.1277T>C (p.Ile426Thr)

Gene: EIF2B3 (eukaryotic translation initiation factor 2B subunit gamma; minus strand). Cytogenetic location: 1p34.1.
Variant type: single nucleotide variant.
Coding change: c.1277T>C on transcript NM_020365.5 (MANE Select); coding-DNA position 1277, T replaced by C.
Protein change: p.Ile426Thr; replaces isoleucine 426 with threonine.
Molecular consequence: missense variant. On other transcripts: intron variant (1).
Genome position (GRCh38, 1-based): chr1:44,857,733, A>G on the plus strand (T>C on the coding strand, the complement: EIF2B3 is on the minus strand). VCF-style: chr1-44857733-A-G. GRCh37 (hg19) VCF-style: chr1-45323405-A-G.
Other names: c.1203-6730T>C (NM_001261418.2); short protein forms I426T.
Identifiers: ClinVar variation 870560 (VCV000870560.10), dbSNP rs762959486, ClinGen allele CA823789.

ClinVar aggregate classification (germline): Uncertain significance. Review status: criteria provided, multiple submitters, no conflicts (2 of 4 stars). 5 submissions from 5 submitters: Uncertain significance (4). 1 of the submissions does not count toward it. Last evaluated 2025-07-31.

Conditions:
Leukoencephalopathy with vanishing white matter 1 (VWM1). Also called: CHILDHOOD ATAXIA WITH CENTRAL NERVOUS SYSTEM HYPOMYELINIZATION; Vanishing white matter leukodystrophy; EIF2B1-Related Childhood Ataxia with Central Nervous System Hypomyelination/Vanishing White Matter; Cree leukoencephalopathy. Identifiers: Orphanet 99854, MedGen C5779972, MONDO:0020507, OMIM 603896.
Vanishing white matter disease. Also called: CACH syndrome; Childhood ataxia with diffuse central nervous system hypomyelination; Leukoencephalopathy with vanishing white matter; CACH/VWM syndrome; Cree leukoencehalopathy. Identifiers: Orphanet 135, Orphanet 99853, MedGen C1858991, MONDO:0800448.

Allele frequency attached by ClinVar (database versions not stated): gnomAD exomes 0.00001 and 0.00002; ExAC 0.00002; gnomAD 0.00002; TOPMed 0.00002.
gnomAD v4.1: 30 of 1,614,032 alleles (0.0019%); highest among the groups gnomAD compares: African/African-American, 0.004%; no homozygotes.

Submissions (5):

Women's Health and Genetics/Laboratory Corporation of America, LabCorp
Classification: Uncertain significance. Last evaluated: 2025-07-31. Review status: criteria provided, single submitter. Criteria: LabCorp Variant Classification Summary - May 2015. Collection method: clinical testing. Allele origin: germline.
Comment: Variant summary: EIF2B3 c.1277T>C (p.Ile426Thr) results in a non-conservative amino acid change in the encoded protein sequence. Algorithms developed to predict the effect of missense changes on protein structure and function are either unavailable or do not agree on the potential impact of this missense change. The variant allele was found at a frequency of 1.2e-05 in 251374 control chromosomes (gnomAD). c.1277T>C has been observed in at least one homozygous individual affected with Leukoencephalopathy With Vanishing White Matter (Ashrafi_2023). These data indicate that the variant may be associated with disease. To our knowledge, no experimental evidence demonstrating an impact on protein function has been reported. The following publication have been ascertained in the context of this evaluation (PMID: 37597066). ClinVar contains an entry for this variant (Variation ID: 870560). Based on the evidence outlined above, the variant was classified as VUS-possibly pathogenic.

Genomic Research Center, Shahid Beheshti University of Medical Sciences
Classification: Uncertain significance for Leukoencephalopathy with vanishing white matter 1. Last evaluated: 2024-04-22. Review status: criteria provided, single submitter. Criteria: ACMG Guidelines, 2015. Collection method: clinical testing. Allele origin: germline. Affected: yes.

Labcorp Genetics (formerly Invitae), Labcorp
Classification: Uncertain significance. Last evaluated: 2022-06-13. Review status: criteria provided, single submitter. Criteria: Invitae Variant Classification Sherloc (09022015). Collection method: clinical testing. Allele origin: germline.
Comment: ClinVar contains an entry for this variant (Variation ID: 870560). In summary, the available evidence is currently insufficient to determine the role of this variant in disease. Therefore, it has been classified as a Variant of Uncertain Significance. Algorithms developed to predict the effect of missense changes on protein structure and function are either unavailable or do not agree on the potential impact of this missense change (SIFT: "Deleterious"; PolyPhen-2: "Benign"; Align-GVGD: "Class C25"). This variant has not been reported in the literature in individuals affected with EIF2B3-related conditions. This variant is present in population databases (rs762959486, gnomAD 0.004%). This sequence change replaces isoleucine, which is neutral and non-polar, with threonine, which is neutral and polar, at codon 426 of the EIF2B3 protein (p.Ile426Thr).

Laboratorio de Genetica e Diagnostico Molecular, Hospital Israelita Albert Einstein
Classification: Uncertain significance. Last evaluated: 2020-09-02. Review status: criteria provided, single submitter. Criteria: ACMG Guidelines, 2015. Collection method: clinical testing. Allele origin: germline. Affected: yes.
Comment: ACMG classification criteria: PM2, BP4

Myelin Disorders Clinic-Children's Medical Center/Medical Genetics Lab-Tarbiat Modares University, Children's Medical Center, Pediatrics Center of Excellence,
Classification: Uncertain significance for Leukoencephalopathy with vanishing white matter 1. Review status: no assertion criteria provided. Collection method: clinical testing. Allele origin: inherited. Inheritance: Autosomal recessive inheritance. Affected: yes. Not counted in ClinVar's aggregate classification.

Literature cited by the submitters: PubMed 37597066 (cited by Women's Health and Genetics/Laboratory Corporation of America, LabCorp).